The following is an entry in ClinVar:

NM_000490.5(AVP):c.160G>A (p.Gly54Arg)

Gene: AVP (arginine vasopressin; minus strand). Cytogenetic location: 20p13.
Variant type: single nucleotide variant.
Coding change: c.160G>A on transcript NM_000490.5 (MANE Select); coding-DNA position 160, G replaced by A.
Protein change: p.Gly54Arg; replaces glycine 54 with arginine.
Molecular consequence: missense variant.
Genome position (GRCh38, 1-based): chr20:3,083,139, C>T on the plus strand (G>A on the coding strand, the complement: AVP is on the minus strand). VCF-style: chr20-3083139-C-T. GRCh37 (hg19) VCF-style: chr20-3063785-C-T.
Other names: short protein forms G54R.
Identifiers: ClinVar variation 4072436 (VCV004072436.1).
Genomic context (GRCh38, chr20:3,083,139, plus strand): 5'-GCAGCGCCTCAGCCGTGCCCACGAAGCAGCCCAGCTCGTCCGCGCAGCAGATGCTGGGCC[C>T]GAAGCAGCGGCCTTTGCCCCCGGGGCCGCAGGGGAGGCACTGCGGGGACGGGCGGGGTGA-3'
Protein context (NP_000481.2, residues 44-64): CGPGGKGRCF[Gly54Arg]PSICCADELG

ClinVar aggregate classification (germline): Pathogenic (1 of 4 stars; one submission).

Submission:

GeneDx
Classification: Pathogenic. Last evaluated: 2025-02-03. Review status: criteria provided, single submitter. Criteria: GeneDx Variant Classification Process June 2021. Collection method: clinical testing. Allele origin: germline. Affected: yes.
Comment: Not observed at significant frequency in large population cohorts (gnomAD); In silico analysis supports that this missense variant has a deleterious effect on protein structure/function; This variant is associated with the following publications: (PMID: 10487710, 32052034)